The following is an entry in ClinVar:

ClinVar aggregate classification (germline): Uncertain significance. Review status: criteria provided, multiple submitters, no conflicts (2 of 4 stars). 3 submissions from 3 submitters: Uncertain significance (3). Last evaluated 2025-09-11.

Conditions:
Inborn genetic diseases. Identifiers: MedGen C0950123, MeSH D030342.

Allele frequency attached by ClinVar (database versions not stated): TOPMed below 0.00001; ExAC 0.00001; gnomAD exomes 0.00002.

Submissions (3):

Labcorp Genetics (formerly Invitae), Labcorp
Classification: Uncertain significance. Last evaluated: 2025-09-11. Review status: criteria provided, single submitter. Criteria: Invitae Variant Classification Sherloc (09022015). Collection method: clinical testing. Allele origin: germline.
Comment: This sequence change replaces aspartic acid, which is acidic and polar, with glutamic acid, which is acidic and polar, at codon 1228 of the DCHS1 protein (p.Asp1228Glu). This variant is present in population databases (rs750998296, gnomAD 0.006%). This variant has not been reported in the literature in individuals affected with DCHS1-related conditions. ClinVar contains an entry for this variant (Variation ID: 1444137). Invitae Evidence Modeling of protein sequence and biophysical properties (such as structural, functional, and spatial information, amino acid conservation, physicochemical variation, residue mobility, and thermodynamic stability) indicates that this missense variant is not expected to disrupt DCHS1 protein function with a negative predictive value of 95%. In summary, the available evidence is currently insufficient to determine the role of this variant in disease. Therefore, it has been classified as a Variant of Uncertain Significance.

GeneDx
Classification: Uncertain significance. Last evaluated: 2022-12-01. Review status: criteria provided, single submitter. Criteria: GeneDx Variant Classification Process June 2021. Collection method: clinical testing. Allele origin: germline. Affected: yes.
Comment: In silico analysis supports that this missense variant does not alter protein structure/function; Has not been previously published as pathogenic or benign to our knowledge

Ambry Genetics
Classification: Uncertain significance for Inborn genetic diseases. Last evaluated: 2021-08-23. Review status: criteria provided, single submitter. Criteria: Ambry Variant Classification Scheme 2023. Collection method: clinical testing. Allele origin: germline.

NM_003737.4(DCHS1):c.3684C>A (p.Asp1228Glu)

Gene: DCHS1 (dachsous cadherin-related 1; minus strand). Cytogenetic location: 11p15.4.
Variant type: single nucleotide variant.
Coding change: c.3684C>A on transcript NM_003737.4 (MANE Select); coding-DNA position 3684, C replaced by A.
Protein change: p.Asp1228Glu; replaces aspartic acid 1228 with glutamic acid.
Molecular consequence: missense variant.
Genome position (GRCh38, 1-based): chr11:6,631,399, G>T on the plus strand (C>A on the coding strand, the complement: DCHS1 is on the minus strand). VCF-style: chr11-6631399-G-T. GRCh37 (hg19) VCF-style: chr11-6652630-G-T.
Other names: c.3684C>A (NM_003737.2, NM_003737.3); short protein forms D1228E.
Identifiers: ClinVar variation 1444137 (VCV001444137.11), dbSNP rs750998296, ClinGen allele CA5860458.